The following is an entry in ClinVar:

NM_025099.6(CTC1):c.2333G>A (p.Gly778Asp)

Gene: CTC1 (CST telomere replication complex component 1; minus strand). Cytogenetic location: 17p13.1.
Variant type: single nucleotide variant.
Coding change: c.2333G>A on transcript NM_025099.6 (MANE Select); coding-DNA position 2333, G replaced by A.
Protein change: p.Gly778Asp; replaces glycine 778 with aspartic acid.
Molecular consequence: missense variant. On other transcripts: non-coding transcript variant (1).
Genome position (GRCh38, 1-based): chr17:8,231,955, C>T on the plus strand (G>A on the coding strand, the complement: CTC1 is on the minus strand). VCF-style: chr17-8231955-C-T. GRCh37 (hg19) VCF-style: chr17-8135273-C-T.
Other names: short protein forms G778D.
Identifiers: ClinVar variation 892375 (VCV000892375.13), dbSNP rs1427706121, ClinGen allele CA397977422.

ClinVar aggregate classification (germline): Uncertain significance. Review status: criteria provided, multiple submitters, no conflicts (2 of 4 stars). 4 submissions from 4 submitters: Uncertain significance (4). Last evaluated 2025-06-23.

Conditions:
Dyskeratosis congenita. Identifiers: Orphanet 1775, MedGen C0265965, MONDO:0015780.
Cerebroretinal microangiopathy with calcifications and cysts 1 (CRMCC1). Identifiers: Orphanet 313838, MedGen C4552029, MONDO:0024564, OMIM 612199.
Inborn genetic diseases. Identifiers: MedGen C0950123, MeSH D030342.

Allele frequency attached by ClinVar (database versions not stated): gnomAD 0.00001; TOPMed 0.00001.
gnomAD v4.1: 1 of 1,612,660 alleles (0.000062%); highest among the groups gnomAD compares: African/African-American, 0.0013%; no homozygotes.

Submissions (4):

Labcorp Genetics (formerly Invitae), Labcorp
Classification: Uncertain significance for Dyskeratosis congenita. Last evaluated: 2025-06-23. Review status: criteria provided, single submitter. Criteria: Invitae Variant Classification Sherloc (09022015). Collection method: clinical testing. Allele origin: germline.
Comment: This sequence change replaces glycine, which is neutral and non-polar, with aspartic acid, which is acidic and polar, at codon 778 of the CTC1 protein (p.Gly778Asp). This variant is present in population databases (no rsID available, gnomAD 0.01%). This variant has not been reported in the literature in individuals affected with CTC1-related conditions. ClinVar contains an entry for this variant (Variation ID: 892375). Invitae Evidence Modeling of protein sequence and biophysical properties (such as structural, functional, and spatial information, amino acid conservation, physicochemical variation, residue mobility, and thermodynamic stability) indicates that this missense variant is not expected to disrupt CTC1 protein function with a negative predictive value of 80%. In summary, the available evidence is currently insufficient to determine the role of this variant in disease. Therefore, it has been classified as a Variant of Uncertain Significance.

Ambry Genetics
Classification: Uncertain significance for Inborn genetic diseases. Last evaluated: 2024-04-04. Review status: criteria provided, single submitter. Criteria: Ambry Variant Classification Scheme 2023. Collection method: clinical testing. Allele origin: germline.

Genome-Nilou Lab
Classification: Uncertain significance for Cerebroretinal microangiopathy with calcifications and cysts 1. Last evaluated: 2021-07-15. Review status: criteria provided, single submitter. Criteria: ACMG Guidelines, 2015. Collection method: clinical testing. Allele origin: germline. Affected: no.

Illumina Laboratory Services, Illumina
Classification: Uncertain significance for Dyskeratosis congenita. Last evaluated: 2018-01-12. Review status: criteria provided, single submitter. Criteria: ICSL Variant Classification Criteria 13 December 2019. Collection method: clinical testing. Allele origin: germline.